The following is an entry in ClinVar:

ClinVar aggregate classification (germline): Conflicting classifications of pathogenicity. Review status: criteria provided, conflicting classifications (1 of 4 stars). 7 submissions from 7 submitters: Uncertain significance (4); Benign (1); Likely benign (1). 1 of the submissions does not count toward it. Last evaluated 2026-01-07.

Conditions:
Hypertrophic cardiomyopathy 2. Also called: TNNT2-Related Familial Hypertrophic Cardiomyopathy. Identifiers: MedGen C1861864, MONDO:0007266, OMIM 115195.
Dilated cardiomyopathy 1D. Identifiers: Orphanet 154, Orphanet 54260, MedGen C1832243, MONDO:0011095, OMIM 601494.
Cardiomyopathy, familial restrictive, 3. Identifiers: Orphanet 75249, MedGen C2676271, MONDO:0012900, OMIM 612422.
Cardiomyopathy (CMYO). Also called: Cardiomyopathies. Identifiers: Orphanet 167848, MedGen C0878544, MONDO:0004994, HP:0001638. Inheritance: Various modes of inheritance.
Hypertrophic cardiomyopathy. Also called: HYPERTROPHIC MYOCARDIOPATHY. Identifiers: Orphanet 217569, MedGen C0007194, MeSH D002312, MONDO:0005045, HP:0001639.

Allele frequency attached by ClinVar (database versions not stated): gnomAD 0.00004 and 0.00005; TOPMed 0.00007; ESP Exome Variant Server 0.00008; ExAC 0.00009; gnomAD exomes 0.00009.
gnomAD v4.1: 77 of 1,613,646 alleles (0.0048%); highest among the groups gnomAD compares: Admixed American, 0.033%; no homozygotes.

Submissions (7):

Labcorp Genetics (formerly Invitae), Labcorp
Classification: Uncertain significance for Cardiomyopathy, familial restrictive, 3; Hypertrophic cardiomyopathy 2; Dilated cardiomyopathy 1D. Last evaluated: 2026-01-07. Review status: criteria provided, single submitter. Criteria: Invitae Variant Classification Sherloc (09022015). Collection method: clinical testing. Allele origin: germline.
Comment: This sequence change falls in intron 11 of the TNNT2 gene. It does not directly change the encoded amino acid sequence of the TNNT2 protein. This variant is present in population databases (rs369759523, gnomAD 0.06%), and has an allele count higher than expected for a pathogenic variant. This variant has been observed in individual(s) with hypertrophic cardiomyopathy (PMID: 25849606). ClinVar contains an entry for this variant (Variation ID: 43656). Algorithms developed to predict the effect of variants on gene product structure and function are not available or were not evaluated for this variant. Experimental studies are conflicting or provide insufficient evidence to determine the effect of this variant on TNNT2 function (PMID: 25849606). Algorithms developed to predict the effect of sequence changes on RNA splicing suggest that this variant is not likely to affect RNA splicing. In summary, the available evidence is currently insufficient to determine the role of this variant in disease. Therefore, it has been classified as a Variant of Uncertain Significance.

All of Us Research Program, National Institutes of Health
Classification: Uncertain significance for Cardiomyopathy. Last evaluated: 2024-08-06. Review status: criteria provided, single submitter. Criteria: ACMG Guidelines, 2015. Collection method: clinical testing. Allele origin: germline. Inheritance: Autosomal dominant inheritance. Observed: 15 variant alleles, 15 heterozygotes.
Comment: This variant causes a G to A nucleotide substitution at the -7 position of intron 11 of the TNNT2 gene. Splice site prediction tools are inconclusive regarding the impact of this variant on RNA splicing. An RNA study using a minigene system was inconclusive regarding the variant impact on splicing (PMID: 25849606). This variant has not been reported in one individual affected with hypertrophic cardiomyopathy and in one individual affected with an unspecified cardiomyopathy (PMID: 25849606). This variant has been identified in 23/248878 chromosomes in the general population by the Genome Aggregation Database (gnomAD). The elevated variant allele frequency in the general population indicates that this variant may not be disease-causing. However, additional studies are necessary to determine the role of this variant in disease conclusively. Therefore, this variant is classified as a Variant of Uncertain Significance.

This study involves interpretation of variants in research participants for the purpose of population health screening. Participant phenotype was not available at the time of variant classification. Additional details can be found in publication PMID: 35346344, PMCID: PMC8962531

Color Diagnostics, LLC DBA Color Health
Classification: Uncertain significance for Cardiomyopathy. Last evaluated: 2024-05-13. Review status: criteria provided, single submitter. Criteria: ACMG Guidelines, 2015. Collection method: clinical testing. Allele origin: germline.
Comment: This variant causes a G to A nucleotide substitution at the -7 position of intron 11 of the TNNT2 gene. Splice site prediction tools are inconclusive regarding the impact of this variant on RNA splicing. An RNA study using a minigene system was inconclusive regarding the variant impact on splicing (PMID: 25849606). This variant has not been reported in one individual affected with hypertrophic cardiomyopathy and in one individual affected with an unspecified cardiomyopathy (PMID: 25849606). This variant has been identified in 23/248878 chromosomes in the general population by the Genome Aggregation Database (gnomAD). The elevated variant allele frequency in the general population indicates that this variant may not be disease-causing. However, additional studies are necessary to determine the role of this variant in disease conclusively. Therefore, this variant is classified as a Variant of Uncertain Significance.

Blueprint Genetics
Classification: Likely benign. Last evaluated: 2024-01-18. Review status: criteria provided, single submitter. Criteria: ACMG Guidelines, 2015. Collection method: clinical testing. Allele origin: germline.

Laboratory for Molecular Medicine, Mass General Brigham Personalized Medicine
Classification: Uncertain significance. Last evaluated: 2018-04-10. Review status: criteria provided, single submitter. Criteria: LMM Criteria. Collection method: clinical testing. Allele origin: germline. Observed: 2 variant alleles.
Comment: proposed classification - variant undergoing re-assessment, contact laboratory

GeneDx
Classification: Benign. Last evaluated: 2015-03-03. Review status: criteria provided, single submitter. Criteria: GeneDx Variant Classification Process June 2021. Collection method: clinical testing. Allele origin: germline. Affected: yes.

Agnes Ginges Centre for Molecular Cardiology, Centenary Institute
Classification: Uncertain significance for Hypertrophic cardiomyopathy. Last evaluated: 2019-11-26. Review status: no assertion criteria provided. Collection method: research. Allele origin: germline. Inheritance: Autosomal dominant inheritance. Affected: yes. Not counted in ClinVar's aggregate classification.
Comment: TNNT2 c.571-7G>A has been reported in 1 HCM proband (LMM) and 1 cardiomyopathy case but analysis of the functional splicing impact was inconclusive (Millat G, et al., 2015). The variant is also present at the Genome Aggregation Database at an allele frequency of 0.00009605 which is higher then expected for HCM and suggests that the occurrence of the variant in HCM cases is incidental. TNNT2 p.Arg278His and MYH7 c.1000-7C>T. Based on the adapted ACMG guidelines (Kelly MA, et al., 2018), the variant does not meet criteria for rarity (PM2) and as a result the identification of the variant in affected probands cannot be used, therefore we classify TNNT2 c.571-7G>A as a variant of 'uncertain significance'.

Literature cited by the submitters: PubMed 25849606 (cited by 4 submitters).

NM_001276345.2(TNNT2):c.601-7G>A

Gene: TNNT2 (troponin T2, cardiac type; minus strand). Cytogenetic location: 1q32.1.
Variant type: single nucleotide variant.
Coding change: c.601-7G>A on transcript NM_001276345.2 (MANE Select); 7 bases into the intron before coding-DNA position 601, G replaced by A.
Molecular consequence: intron variant.
Genome position (GRCh38, 1-based): chr1:201,362,401, C>T on the plus strand (G>A on the coding strand, the complement: TNNT2 is on the minus strand). VCF-style: chr1-201362401-C-T. GRCh37 (hg19) VCF-style: chr1-201331529-C-T.
Other names: c.556-10G>A (NM_001001432.3); c.571-379G>A (NM_001001431.3); c.571-7G>A (NM_001001430.3, NM_001276347.2); c.481-379G>A (NM_001276346.2); c.601-379G>A (NM_000364.4).
Identifiers: ClinVar variation 43656 (VCV000043656.25), dbSNP rs369759523, ClinGen allele CA004786.